The following is an entry in ClinVar:

ClinVar aggregate classification (germline): Uncertain significance. Review status: criteria provided, multiple submitters, no conflicts (2 of 4 stars). 2 submissions from 2 submitters: Uncertain significance (2). Last evaluated 2021-07-28.

Conditions:
Autosomal dominant nonsyndromic hearing loss 6 (LFSNHL). Also called: Autosomal dominant nonsyndromic deafness 6; DEAFNESS, AUTOSOMAL DOMINANT 6; DEAFNESS, AUTOSOMAL DOMINANT 14; DEAFNESS, AUTOSOMAL DOMINANT 38. Identifiers: Orphanet 90635, MedGen C1833021, MONDO:0010963, OMIM 600965.
Type 2 diabetes mellitus. Also called: Type II diabetes mellitus. Identifiers: MedGen C0011860, MeSH D003924, MONDO:0005148, OMIM 125853, HP:0005978.
Wolfram-like syndrome. Also called: HEARING LOSS, PROGRESSIVE, WITH OPTIC ATROPHY AND/OR IMPAIRED GLUCOSE REGULATION. Identifiers: Orphanet 411590, MedGen C3280358, MONDO:0013673, OMIM 614296.
Cataract 41 (CTRCT41). Also called: CATARACT 41, CONGENITAL NUCLEAR TYPE. Identifiers: Orphanet 91492, Orphanet 98991, Orphanet 98992, Orphanet 98995, MedGen C3805412, MONDO:0007287, OMIM 116400.
Wolfram syndrome 1 (WFS1). Identifiers: Orphanet 3463, MedGen C4551693, MONDO:0009101, OMIM 222300.

Allele frequency attached by ClinVar (database versions not stated): gnomAD exomes below 0.00001; gnomAD 0.00001; TOPMed 0.00002; ESP Exome Variant Server 0.00008.
gnomAD v4.1: 5 of 1,613,190 alleles (0.00031%); highest among the groups gnomAD compares: Middle Eastern, 0.033%; no homozygotes.

Submissions (2):

Fulgent Genetics
Classification: Uncertain significance for Cataract 41; Type 2 diabetes mellitus; Wolfram syndrome 1; Autosomal dominant nonsyndromic hearing loss 6; Wolfram-like syndrome. Last evaluated: 2021-07-28. Review status: criteria provided, single submitter. Criteria: ACMG Guidelines, 2015. Collection method: clinical testing. Allele origin: unknown.

Labcorp Genetics (formerly Invitae), Labcorp
Classification: Uncertain significance. Last evaluated: 2021-07-21. Review status: criteria provided, single submitter. Criteria: Invitae Variant Classification Sherloc (09022015). Collection method: clinical testing. Allele origin: germline.
Comment: In summary, the available evidence is currently insufficient to determine the role of this variant in disease. Therefore, it has been classified as a Variant of Uncertain Significance. Advanced modeling of protein sequence and biophysical properties (such as structural, functional, and spatial information, amino acid conservation, physicochemical variation, residue mobility, and thermodynamic stability) performed at Invitae indicates that this missense variant is not expected to disrupt WFS1 protein function. This variant has not been reported in the literature in individuals affected with WFS1-related conditions. This variant is not present in population databases (ExAC no frequency). This sequence change replaces alanine with valine at codon 198 of the WFS1 protein (p.Ala198Val). The alanine residue is weakly conserved and there is a small physicochemical difference between alanine and valine.

NM_006005.3(WFS1):c.593C>T (p.Ala198Val)

Gene: WFS1 (wolframin ER transmembrane glycoprotein; plus strand). Cytogenetic location: 4p16.1.
Variant type: single nucleotide variant.
Coding change: c.593C>T on transcript NM_006005.3 (MANE Select); coding-DNA position 593, C replaced by T.
Protein change: p.Ala198Val; replaces alanine 198 with valine.
Molecular consequence: missense variant.
Genome position (GRCh38, 1-based): chr4:6,291,329, C>T. VCF-style: chr4-6291329-C-T. GRCh37 (hg19) VCF-style: chr4-6293056-C-T.
Other names: c.593C>T, p.Ala198Val (NM_001145853.1); short protein forms A198V.
Identifiers: ClinVar variation 1347849 (VCV001347849.9), dbSNP rs142687752, ClinGen allele CA91794579.